The following is an entry in ClinVar:

NM_016008.4(DYNC2LI1):c.976A>G (p.Arg326Gly)

Gene: DYNC2LI1 (dynein cytoplasmic 2 light intermediate chain 1; plus strand). Cytogenetic location: 2p21.
Variant type: single nucleotide variant.
Coding change: c.976A>G on transcript NM_016008.4 (MANE Select); coding-DNA position 976, A replaced by G.
Protein change: p.Arg326Gly; replaces arginine 326 with glycine.
Molecular consequence: missense variant.
Genome position (GRCh38, 1-based): chr2:43,805,229, A>G. VCF-style: chr2-43805229-A-G. GRCh37 (hg19) VCF-style: chr2-44032368-A-G.
Other names: c.979A>G, p.Arg327Gly (NM_001193464.2, NM_001348913.2); c.976A>G, p.Arg326Gly (NM_001348912.2); short protein forms R326G, R327G.
Identifiers: ClinVar variation 1312963 (VCV001312963.2), dbSNP rs1474245852, ClinGen allele CA346661180.

ClinVar aggregate classification (germline): Uncertain significance (1 of 4 stars; one submission).

Allele frequency attached by ClinVar (database versions not stated): gnomAD exomes below 0.00001; gnomAD 0.00001; TOPMed 0.00001.
gnomAD v4.1: 7 of 1,605,880 alleles (0.00044%); highest among the groups gnomAD compares: Non-Finnish European, 0.00051%; no homozygotes.

Submission:

GeneDx
Classification: Uncertain significance. Last evaluated: 2020-07-06. Review status: criteria provided, single submitter. Criteria: GeneDx Variant Classification Process June 2021. Collection method: clinical testing. Allele origin: germline. Affected: yes.
Comment: Not observed at a significant frequency in large population cohorts (Lek et al., 2016); In silico analysis supports that this missense variant has a deleterious effect on protein structure/function; Has not been previously published as pathogenic or benign to our knowledge